The following is an entry in ClinVar:

NM_001142800.2(EYS):c.716_717delinsGC (p.Ala239Gly)

Gene: EYS (eyes shut homolog; minus strand). Cytogenetic location: 6q12.
Variant type: Indel.
Coding change: c.716_717delinsGC on transcript NM_001142800.2 (MANE Select); coding-DNA positions 716 to 717, CA replaced by GC.
Protein change: p.Ala239Gly; replaces alanine 239 with glycine.
Molecular consequence: missense variant.
Genome position (GRCh38, 1-based): chr6:65,494,694-65,494,695, TG replaced by GC on the plus strand (CA replaced by GC on the coding strand, the reverse complement: EYS is on the minus strand). VCF-style: chr6-65494694-TG-GC. GRCh37 (hg19) VCF-style: chr6-66204587-TG-GC.
Other names: c.716_717delinsGC, p.Ala239Gly (NM_001142801.2, NM_001292009.2, NM_198283.2); short protein forms A239G.
Identifiers: ClinVar variation 2014721 (VCV002014721.1), dbSNP rs2533027247, ClinGen allele CA2580075691.
Genomic context (GRCh38, chr6:65,494,694, plus strand): 5'-ATAAAATTATATATTTTAAACAATCTTACCTGTAAATGGTGGGTGACAGACACATTCATA[TG>GC]CTTGCTCATCCCAATTTTCTCTTTTATTAATGCAACTGCCATTATTTTTACATGGTTTAA-3'
Protein context (NP_001136272.1, residues 229-249): INKRENWDEQ[Ala239Gly]YECVCHPPFT

ClinVar aggregate classification (germline): Uncertain significance (1 of 4 stars; one submission).

Submission:

Labcorp Genetics (formerly Invitae), Labcorp
Classification: Uncertain significance. Last evaluated: 2022-07-06. Review status: criteria provided, single submitter. Criteria: Invitae Variant Classification Sherloc (09022015). Collection method: clinical testing. Allele origin: germline.
Comment: This sequence change replaces alanine, which is neutral and non-polar, with glycine, which is neutral and non-polar, at codon 239 of the EYS protein (p.Ala239Gly). Information on the frequency of this variant in the gnomAD database is not available, as this variant may be reported differently in the database. This variant has not been reported in the literature in individuals affected with EYS-related conditions. Algorithms developed to predict the effect of missense changes on protein structure and function are either unavailable or do not agree on the potential impact of this missense change (SIFT: "Not Available"; PolyPhen-2: "Benign"; Align-GVGD: "Not Available"). In summary, the available evidence is currently insufficient to determine the role of this variant in disease. Therefore, it has been classified as a Variant of Uncertain Significance.